The following is an entry in ClinVar:

ClinVar aggregate classification (germline): Uncertain significance (1 of 4 stars; one submission).

Conditions:
Charcot-Marie-Tooth disease type 2. Also called: Charcot-Marie-Tooth type 2. Identifiers: Orphanet 64746, MedGen C0270914, MONDO:0018993.

Submission:

Labcorp Genetics (formerly Invitae), Labcorp
Classification: Uncertain significance for Charcot-Marie-Tooth disease type 2. Last evaluated: 2023-12-17. Review status: criteria provided, single submitter. Criteria: Invitae Variant Classification Sherloc (09022015). Collection method: clinical testing. Allele origin: unknown.
Comment: This variant is a gross deletion of the genomic region encompassing exon(s) 43 of the KIF1B gene. This deletion is out-of-frame, and is expected to create a premature translational stop signal and result in an absent or disrupted protein product. However, the current clinical and genetic evidence is not sufficient to establish whether loss-of-function variants in KIF1B cause disease. This variant has not been reported in the literature in individuals affected with KIF1B-related conditions. In summary, the available evidence is currently insufficient to determine the role of this variant in disease. Therefore, it has been classified as a Variant of Uncertain Significance.

NC_000001.10:g.(?_10431179)_(10431340_?)del

Gene: KIF1B (kinesin family member 1B; plus strand). Cytogenetic location: 1p36.22.
Variant type: Deletion.
Identifiers: ClinVar variation 3247858 (VCV003247858.1).